The following is an entry in ClinVar:

NM_001009944.3(PKD1):c.8586C>T (p.Pro2862=)

Gene: PKD1 (polycystin 1, transient receptor potential channel interacting; minus strand). Cytogenetic location: 16p13.3.
Variant type: single nucleotide variant.
Coding change: c.8586C>T on transcript NM_001009944.3 (MANE Select); coding-DNA position 8586, C replaced by T.
Protein change: p.Pro2862=; no amino-acid change (proline 2862 retained).
Molecular consequence: synonymous variant.
Genome position (GRCh38, 1-based): chr16:2,103,471, G>A on the plus strand (C>T on the coding strand, the complement: PKD1 is on the minus strand). VCF-style: chr16-2103471-G-A. GRCh37 (hg19) VCF-style: chr16-2153472-G-A.
Other names: c.8586C>T, p.Pro2862= (NM_000296.4).
Identifiers: ClinVar variation 4985257 (VCV004985257.1).

ClinVar aggregate classification (germline): Likely benign (1 of 4 stars; one submission).

Conditions:
PKD1-related disorder. Also called: PKD1-related condition.

gnomAD v4.1: 7 of 1,601,060 alleles (0.00044%); highest among the groups gnomAD compares: Non-Finnish European, 0.00051%; no homozygotes.

Submission:

PreventionGenetics, part of Exact Sciences
Classification: Likely benign for PKD1-related condition. Last evaluated: 2025-05-08. Review status: criteria provided, single submitter. Criteria: ACMG Guidelines, 2015. Collection method: clinical testing. Allele origin: germline.
Comment: This variant is classified as likely benign based on ACMG/AMP sequence variant interpretation guidelines (Richards et al. 2015 PMID: 25741868, with internal and published modifications).